The following is an entry in ClinVar:

ClinVar aggregate classification (germline): Likely pathogenic (1 of 4 stars; one submission).

Conditions:
Thrombophilia 3 due to protein C deficiency.

Submission:

Dubai Health Genomic Medicine Center, Dubai Health
Classification: Likely pathogenic for Thrombophilia 3 due to protein C deficiency. Last evaluated: 2024-10-04. Review status: criteria provided, single submitter. Criteria: ACMG Guidelines, 2015. Collection method: research. Allele origin: germline. Affected: yes.
Comment: PP4,PM2,PP3,PM1

NM_000312.4(PROC):c.1117T>C (p.Cys373Arg)

Gene: PROC (protein C, inactivator of coagulation factors Va and VIIIa; plus strand). Cytogenetic location: 2q14.3.
Variant type: single nucleotide variant.
Coding change: c.1117T>C on transcript NM_000312.4 (MANE Select); coding-DNA position 1117, T replaced by C.
Protein change: p.Cys373Arg; replaces cysteine 373 with arginine.
Molecular consequence: missense variant.
Genome position (GRCh38, 1-based): chr2:127,428,677, T>C. VCF-style: chr2-127428677-T-C. GRCh37 (hg19) VCF-style: chr2-128186253-T-C.
Other names: c.1285T>C, p.Cys429Arg (NM_001375606.1); c.1303T>C, p.Cys435Arg (NM_001375607.1); c.1060T>C, p.Cys354Arg (NM_001375608.1); c.1093T>C, p.Cys365Arg (NM_001375609.1); c.1111T>C, p.Cys371Arg (NM_001375610.1); c.1117T>C, p.Cys373Arg (NM_001375611.1, NM_001375613.1); c.1300T>C, p.Cys434Arg (NM_001375602.1); c.1282T>C, p.Cys428Arg (NM_001375603.1); and 2 more; short protein forms C354R, C365R, C371R, C373R, C394R, C407R, C428R, C429R.
Identifiers: ClinVar variation 3384042 (VCV003384042.1).